The following is an entry in ClinVar:

ClinVar aggregate classification (germline): Uncertain significance (1 of 4 stars; one submission).

Conditions:
Familial intrahepatic cholestasis. Identifiers: Orphanet 284385, MedGen CN296401, MONDO:0017290.
Low phospholipid associated cholelithiasis (GBD1). Also called: Gallbladder disease 1; Gallstone cholecystitis. Identifiers: Orphanet 69663, MedGen C2609268, MONDO:0010939, OMIM 600803.

Submission:

Genomenon, Inc
Classification: Uncertain significance for Familial intrahepatic cholestasis; Low phospholipid associated cholelithiasis. Last evaluated: 2026-04-14. Review status: criteria provided, single submitter. Criteria: Genomenon Sequence Variant Interpretation Standards - Updated. Collection method: curation. Allele origin: germline. Affected: yes.
Comment: ABCB4 p.Met301Thr (c.902T>C) is a missense variant that changes the amino acid at residue 301 from Methionine to Threonine. This variant has been observed in at least one proband with an ABCB4-related disorder (PMID:41165782;12891548;27825922). Functional studies have been reported (PMID:24381502). It is absent or not present at a significant frequency in gnomAD. In silico models predict that this variant is possibly or probably damaging. In conclusion, we classify ABCB4 p.Met301Thr (c.902T>C) as a variant of uncertain significance.

Literature cited by the submitters: PubMed 41165782; PubMed 12891548; PubMed 27825922; PubMed 24381502.

NM_000443.4(ABCB4):c.902T>C (p.Met301Thr)

Gene: ABCB4 (ATP binding cassette subfamily B member 4; minus strand). Cytogenetic location: 7q21.12.
Variant type: single nucleotide variant.
Coding change: c.902T>C on transcript NM_000443.4 (MANE Select); coding-DNA position 902, T replaced by C.
Protein change: p.Met301Thr; replaces methionine 301 with threonine.
Molecular consequence: missense variant.
Genome position (GRCh38, 1-based): chr7:87,447,137, A>G on the plus strand (T>C on the coding strand, the complement: ABCB4 is on the minus strand). VCF-style: chr7-87447137-A-G. GRCh37 (hg19) VCF-style: chr7-87076453-A-G.
Other names: c.902T>C, p.Met301Thr (NM_018849.3, NM_018850.3); short protein forms M301T.
Identifiers: ClinVar variation 4846559 (VCV004846559.1).